The following is an entry in ClinVar:

ClinVar aggregate classification (germline): Uncertain significance (1 of 4 stars; one submission).

Conditions:
PKHD1-related disorder. Also called: PKHD1-related condition.

gnomAD v4.1: 7 of 1,613,546 alleles (0.00043%); highest among the groups gnomAD compares: African/African-American, 0.0067%; no homozygotes.

Submission:

PreventionGenetics, part of Exact Sciences
Classification: Uncertain significance for PKHD1-related condition. Last evaluated: 2025-11-20. Review status: criteria provided, single submitter. Criteria: ACMG Guidelines, 2015. Collection method: clinical testing. Allele origin: germline.
Comment: The PKHD1 c.11450C>T variant is predicted to result in the amino acid substitution p.Ala3817Val. To our knowledge, this variant has not been reported in the literature. This variant is reported in 0.0080% of alleles in individuals of African descent in gnomAD. At this time, the clinical significance of this variant is uncertain due to the absence of conclusive functional and genetic evidence.

NM_138694.4(PKHD1):c.11450C>T (p.Ala3817Val)

Gene: PKHD1 (PKHD1 ciliary IPT domain containing fibrocystin/polyductin; minus strand). Cytogenetic location: 6p12.3.
Variant type: single nucleotide variant.
Coding change: c.11450C>T on transcript NM_138694.4 (MANE Select); coding-DNA position 11450, C replaced by T.
Protein change: p.Ala3817Val; replaces alanine 3817 with valine.
Molecular consequence: missense variant.
Genome position (GRCh38, 1-based): chr6:51,638,905, G>A on the plus strand (C>T on the coding strand, the complement: PKHD1 is on the minus strand). VCF-style: chr6-51638905-G-A. GRCh37 (hg19) VCF-style: chr6-51503703-G-A.
Other names: short protein forms A3817V.
Identifiers: ClinVar variation 4979667 (VCV004979667.1).